The following is an entry in ClinVar:

NM_000717.5(CA4):c.331G>T (p.Ala111Ser)

Gene: CA4 (carbonic anhydrase 4; plus strand). Cytogenetic location: 17q23.1.
Variant type: single nucleotide variant.
Coding change: c.331G>T on transcript NM_000717.5 (MANE Select); coding-DNA position 331, G replaced by T.
Protein change: p.Ala111Ser; replaces alanine 111 with serine.
Molecular consequence: missense variant. On other transcripts: non-coding transcript variant (1).
Genome position (GRCh38, 1-based): chr17:60,157,489, G>T. VCF-style: chr17-60157489-G-T. GRCh37 (hg19) VCF-style: chr17-58234850-G-T.
Other names: short protein forms A111S.
Identifiers: ClinVar variation 1389509 (VCV001389509.6), dbSNP rs1017895117, ClinGen allele CA292205652.

ClinVar aggregate classification (germline): Uncertain significance (1 of 4 stars; one submission).

Submission:

Labcorp Genetics (formerly Invitae), Labcorp
Classification: Uncertain significance. Last evaluated: 2021-04-22. Review status: criteria provided, single submitter. Criteria: Invitae Variant Classification Sherloc (09022015). Collection method: clinical testing. Allele origin: germline.
Comment: This variant is not present in population databases (ExAC no frequency). This sequence change replaces alanine with serine at codon 111 of the CA4 protein (p.Ala111Ser). The alanine residue is moderately conserved and there is a moderate physicochemical difference between alanine and serine. This variant has not been reported in the literature in individuals with CA4-related conditions. In summary, the available evidence is currently insufficient to determine the role of this variant in disease. Therefore, it has been classified as a Variant of Uncertain Significance. Algorithms developed to predict the effect of missense changes on protein structure and function are either unavailable or do not agree on the potential impact of this missense change (SIFT: "Not Available"; PolyPhen-2: "Probably Damaging"; Align-GVGD: "Not Available").